The following is an entry in ClinVar:

ClinVar aggregate classification (germline): Uncertain significance. Review status: criteria provided, multiple submitters, no conflicts (2 of 4 stars). 2 submissions from 2 submitters: Uncertain significance (2). Last evaluated 2021-11-21.

Conditions:
Amyotrophic lateral sclerosis type 1 (ALS1). Also called: AMYOTROPHIC LATERAL SCLEROSIS 1, FAMILIAL. Identifiers: Orphanet 803, MedGen C1862939, MONDO:0007103, OMIM 105400.
Perry syndrome. Also called: PARKINSONISM WITH ALVEOLAR HYPOVENTILATION AND MENTAL DEPRESSION. Identifiers: Orphanet 178509, MedGen C1868594, MONDO:0008201, OMIM 168605.
Neuronopathy, distal hereditary motor, type 7B. Also called: HMN VIIB; LOWER MOTOR NEURON DISEASE, DYNACTIN TYPE; NEURONOPATHY, DISTAL HEREDITARY MOTOR, AUTOSOMAL DOMINANT 14; NEURONOPATHY, DISTAL HEREDITARY MOTOR, HARDING TYPE VIIB; NEUROPATHY, DISTAL HEREDITARY MOTOR, HARDING TYPE VIIB; NEUROPATHY, DISTAL HEREDITARY MOTOR, WITH VOCAL CORD PARALYSIS, HARDING TYPE VIIB. Identifiers: Orphanet 139589, MedGen C1843315, MONDO:0011879, OMIM 607641.

gnomAD v4.1: 16 of 1,604,832 alleles (0.001%); highest among the groups gnomAD compares: South Asian, 0.009%; no homozygotes.

Submissions (2):

Labcorp Genetics (formerly Invitae), Labcorp
Classification: Uncertain significance for Amyotrophic lateral sclerosis type 1; Neuronopathy, distal hereditary motor, type 7B; Perry syndrome. Last evaluated: 2021-11-21. Review status: criteria provided, single submitter. Criteria: Invitae Variant Classification Sherloc (09022015). Collection method: clinical testing. Allele origin: germline.
Comment: In summary, the available evidence is currently insufficient to determine the role of this variant in disease. Therefore, it has been classified as a Variant of Uncertain Significance. Algorithms developed to predict the effect of sequence changes on RNA splicing suggest that this variant may disrupt the consensus splice site. Disruption of this splice site has been observed in individual(s) with distal hereditary motor neuropathy (PMID: 33369814). This variant is present in population databases (rs576198476, gnomAD 0.004%). This sequence change affects a donor splice site in intron 5 of the DCTN1 gene. It is expected to disrupt RNA splicing. Variants that disrupt the donor or acceptor splice site typically lead to a loss of protein function (PMID: 16199547), however the current clinical and genetic evidence is not sufficient to establish whether loss-of-function variants in DCTN1 cause disease.

Revvity Omics, Revvity
Classification: Uncertain significance. Last evaluated: 2020-03-17. Review status: criteria provided, single submitter. Criteria: ACMG Guidelines, 2015. Collection method: clinical testing. Allele origin: germline.

Literature cited by the submitters: PubMed 33369814 (cited by Labcorp Genetics (formerly Invitae), Labcorp); PubMed 16199547 (cited by Labcorp Genetics (formerly Invitae), Labcorp).

NM_004082.5(DCTN1):c.414+1G>T

Gene: DCTN1 (dynactin subunit 1; minus strand). Cytogenetic location: 2p13.1.
Variant type: single nucleotide variant.
Coding change: c.414+1G>T on transcript NM_004082.5 (MANE Select); the canonical splice donor site of the intron after coding-DNA position 414, G replaced by T.
Molecular consequence: splice donor variant. On other transcripts: intron variant (3).
Genome position (GRCh38, 1-based): chr2:74,376,741, C>A on the plus strand (G>T on the coding strand, the complement: DCTN1 is on the minus strand). VCF-style: chr2-74376741-C-A. GRCh37 (hg19) VCF-style: chr2-74603868-C-A.
Other names: c.342+691G>T (NM_001190836.2); c.363+1G>T (NM_001378992.1, NM_001378991.1); c.393+691G>T (NM_001135040.3, NM_001190837.2).
Identifiers: ClinVar variation 1444246 (VCV001444246.8), dbSNP rs576198476, ClinGen allele CA50439054.